The following is an entry in ClinVar:

ClinVar aggregate classification (germline): Likely benign (1 of 4 stars; one submission).

Submission:

CeGaT Center for Human Genetics Tuebingen
Classification: Likely benign. Last evaluated: 2023-03-01. Review status: criteria provided, single submitter. Criteria: CeGaT Center For Human Genetics Tuebingen Variant Classification Criteria Version 2. Collection method: clinical testing. Allele origin: germline. Affected: yes. Observed: 1 variant allele.
Comment: AHNAK: PM2:Supporting, BP4, BP7

NM_001620.3(AHNAK):c.12048A>G (p.Lys4016=)

Gene: AHNAK (AHNAK nucleoprotein; minus strand). Cytogenetic location: 11q12.3.
Variant type: single nucleotide variant.
Coding change: c.12048A>G on transcript NM_001620.3 (MANE Select); coding-DNA position 12048, A replaced by G.
Protein change: p.Lys4016=; no amino-acid change (lysine 4016 retained).
Molecular consequence: synonymous variant. On other transcripts: intron variant (1).
Genome position (GRCh38, 1-based): chr11:62,522,369, T>C on the plus strand (A>G on the coding strand, the complement: AHNAK is on the minus strand). VCF-style: chr11-62522369-T-C. GRCh37 (hg19) VCF-style: chr11-62289841-T-C.
Other names: c.12048A>G, p.Lys4016= (NM_001346445.2, NM_001346446.2); c.342+12634A>G (NM_024060.4).
Identifiers: ClinVar variation 2641866 (VCV002641866.24), dbSNP rs1378142345, ClinGen allele CA475119361.